The following is an entry in ClinVar:

ClinVar aggregate classification (germline): Benign/Likely benign. Review status: criteria provided, multiple submitters, no conflicts (2 of 4 stars). 6 submissions from 6 submitters: Benign (4); Likely benign (2). Last evaluated 2026-08-01.

Conditions:
Trichohepatoenteric syndrome 2 (THES2). Identifiers: Orphanet 84064, MedGen C3281289, MONDO:0013818, OMIM 614602.

Allele frequency attached by ClinVar (database versions not stated): ExAC 0.00799; gnomAD exomes 0.00807 and 0.01228; 1000 Genomes Project 30x 0.00812; 1000 Genomes Project 0.00819; gnomAD 0.01191 and 0.01237; TOPMed 0.01314; ESP Exome Variant Server 0.01398.
gnomAD v4.1: 19,979 of 1,612,886 alleles (1.2%); highest among the groups gnomAD compares: African/African-American, 1.8%; 195 homozygotes.

Submissions (6):

CeGaT Center for Human Genetics Tuebingen
Classification: Benign. Last evaluated: 2026-08-01. Review status: criteria provided, single submitter. Criteria: CeGaT Center For Human Genetics Tuebingen Variant Classification Criteria Version 2. Collection method: clinical testing. Allele origin: germline. Affected: yes. Observed: 16 variant alleles.
Comment: SKIC2: BP4, BS1, BS2

Labcorp Genetics (formerly Invitae), Labcorp
Classification: Benign. Last evaluated: 2026-02-04. Review status: criteria provided, single submitter. Criteria: Invitae Variant Classification Sherloc (09022015). Collection method: clinical testing. Allele origin: germline.

Mayo Clinic Laboratories, Mayo Clinic
Classification: Benign. Last evaluated: 2025-02-03. Review status: criteria provided, single submitter. Criteria: ACMG Guidelines, 2015. Collection method: clinical testing. Allele origin: germline. Observed: 24 variant alleles.
Comment: BS1, BS2

Women's Health and Genetics/Laboratory Corporation of America, LabCorp
Classification: Likely benign. Last evaluated: 2021-12-10. Review status: criteria provided, single submitter. Criteria: LabCorp Variant Classification Summary - May 2015. Collection method: clinical testing. Allele origin: germline.

Illumina Laboratory Services, Illumina
Classification: Benign for Trichohepatoenteric syndrome 2. Last evaluated: 2018-01-12. Review status: criteria provided, single submitter. Criteria: ICSL Variant Classification Criteria 13 December 2019. Collection method: clinical testing. Allele origin: germline.
Comment: This variant was observed in the ICSL laboratory as part of a predisposition screen in an ostensibly healthy population. It had not been previously curated by ICSL or reported in the Human Gene Mutation Database (HGMD: prior to June 1st, 2018), and was therefore a candidate for classification through an automated scoring system. Utilizing variant allele frequency, disease prevalence and penetrance estimates, and inheritance mode, an automated score was calculated to assess if this variant is too frequent to cause the disease. Based on the score and internal cut-off values, a variant classified as benign is not then subjected to further curation. The score for this variant resulted in a classification of benign for this disease.

Center for Pediatric Genomic Medicine, Children's Mercy Hospital and Clinics
Classification: Likely benign. Last evaluated: 2016-08-31. Review status: criteria provided, single submitter. Criteria: ACMG Guidelines, 2015. Collection method: clinical testing. Allele origin: germline.
ClinVar note: Converted during submission from Likely Benign to Likely benign.

NM_006929.5(SKIC2):c.970C>T (p.Arg324Trp)

Genes: SKIC2 (SKI2 subunit of superkiller complex; plus strand), LOC126859653 (CDK7 strongly-dependent group 2 enhancer GRCh37_chr6:31929542-31930741; plus strand). Cytogenetic location: 6p21.33.
Variant type: single nucleotide variant.
Coding change: c.970C>T on transcript NM_006929.5 (MANE Select); coding-DNA position 970, C replaced by T.
Protein change: p.Arg324Trp; replaces arginine 324 with tryptophan.
Molecular consequence: missense variant.
Genome position (GRCh38, 1-based): chr6:31,961,960, C>T. VCF-style: chr6-31961960-C-T. GRCh37 (hg19) VCF-style: chr6-31929737-C-T.
Other names: p.Arg324Trp; short protein forms R324W.
Identifiers: ClinVar variation 377168 (VCV000377168.41), dbSNP rs36038685, ClinGen allele CA3729309.
Genomic context (GRCh38, chr6:31,961,960, plus strand): 5'-CTCCCATAGTGGGCATTTGAGCCAGATGTGTTTCAGAAACAGGCCATCCTGCACTTGGAA[C>T]GGCATGACTCTGTCTTTGTCGCAGCTCACACATCTGCAGGAAAAACAGTTGTGGCTGAAT-3'
Protein context (NP_008860.4, residues 314-334): FQKQAILHLE[Arg324Trp]HDSVFVAAHT